The following is an entry in ClinVar:

NM_007294.4(BRCA1):c.5568C>A (p.Pro1856=)

Gene: BRCA1 (BRCA1 DNA repair associated; minus strand). Cytogenetic location: 17q21.31.
Variant type: single nucleotide variant.
Coding change: c.5568C>A on transcript NM_007294.4 (MANE Select); coding-DNA position 5568, C replaced by A.
Protein change: p.Pro1856=; no amino-acid change (proline 1856 retained).
Molecular consequence: synonymous variant. On other transcripts: 3 prime UTR variant (17).
Genome position (GRCh38, 1-based): chr17:43,045,702, G>T on the plus strand (C>A on the coding strand, the complement: BRCA1 is on the minus strand). VCF-style: chr17-43045702-G-T. GRCh37 (hg19) VCF-style: chr17-41197719-G-T.
Other names: c.2325C>A, p.Pro775= (NM_001407971.1, NM_001407970.1); c.2322C>A, p.Pro774= (NM_001407972.1); c.2259C>A, p.Pro753= (NM_001407973.1, NM_001407974.1, NM_001407975.1 and 3 more transcripts); c.2256C>A, p.Pro752= (NM_001407979.1, NM_001407980.1, NM_001407981.1 and 11 more transcripts); c.2253C>A, p.Pro751= (NM_001408392.1, NM_001408396.1, NM_001408397.1 and 7 more transcripts); c.2250C>A, p.Pro750= (NM_001408406.1, NM_001408407.1, NM_001408408.1); c.2247C>A, p.Pro749= (NM_001408409.1); c.2184C>A, p.Pro728= (NM_001408410.1); and 74 more.
Identifiers: ClinVar variation 232797 (VCV000232797.8), dbSNP rs876659994, ClinGen allele CA10580480.
Genomic context (GRCh38, chr17:43,045,702, plus strand): 5'-GGGGTCCTGTGGCTCTGTACCTGTGGCTGGCTGCAGTCAGTAGTGGCTGTGGGGGATCTG[G>T]GGTATCAGGTAGGTGTCCAGCTCCTGGCACTGGTAGAGTGCTACACTGTCCAACACCCAC-3'
Protein context (NP_009225.1, residues 1846-1863): QCQELDTYLI[Pro1856=]QIPHSHY

ClinVar aggregate classification (germline): Likely benign. Review status: reviewed by expert panel (3 of 4 stars). 2 submissions from 2 submitters: Likely benign (1). 1 of the submissions does not count toward it. Last evaluated 2017-06-29.

Conditions:
Breast-ovarian cancer, familial, susceptibility to, 1 (BROVCA1). Also called: BRCA1 Hereditary Breast and Ovarian Cancer; OVARIAN CANCER, SUSCEPTIBILITY TO. Identifiers: Orphanet 145, MedGen C2676676, MONDO:0011450, OMIM 604370. Disease mechanism: loss of function.
Hereditary cancer-predisposing syndrome. Also called: Tumor predisposition; Hereditary Cancer Syndrome; Neoplastic Syndromes, Hereditary; Hereditary neoplastic syndrome. Identifiers: Orphanet 140162, MedGen C0027672, MeSH D009386, MONDO:0015356.

Submissions (2):

Evidence-based Network for the Interpretation of Germline Mutant Alleles (ENIGMA)
Classification: Likely benign for Breast-ovarian cancer, familial, susceptibility to, 1. Last evaluated: 2017-06-29. Review status: reviewed by expert panel. Criteria: ENIGMA BRCA1/2 Classification Criteria (2017-06-29). Collection method: curation. Allele origin: germline.
Comment: Synonymous substitution variant, with low bioinformatic likelihood to result in a splicing aberration (Splicing prior probability 0.02).

Ambry Genetics
Classification: Likely benign for Hereditary cancer-predisposing syndrome. Last evaluated: 2016-03-28. Review status: criteria provided, single submitter. Criteria: Ambry Variant Classification Scheme 2023. Collection method: clinical testing. Allele origin: germline. Not counted in ClinVar's aggregate classification.